The following is an entry in ClinVar:

NM_025163.4(PIGZ):c.1272C>T (p.Ala424=)

Gene: PIGZ (phosphatidylinositol glycan anchor biosynthesis class Z (Gwada blood group); minus strand). Cytogenetic location: 3q29.
Variant type: single nucleotide variant.
Coding change: c.1272C>T on transcript NM_025163.4 (MANE Select); coding-DNA position 1272, C replaced by T.
Protein change: p.Ala424=; no amino-acid change (alanine 424 retained).
Molecular consequence: synonymous variant.
Genome position (GRCh38, 1-based): chr3:196,947,625, G>A on the plus strand (C>T on the coding strand, the complement: PIGZ is on the minus strand). VCF-style: chr3-196947625-G-A. GRCh37 (hg19) VCF-style: chr3-196674496-G-A.
Identifiers: ClinVar variation 2654514 (VCV002654514.24), dbSNP rs766168640, ClinGen allele CA2783718.

ClinVar aggregate classification (germline): Likely benign (1 of 4 stars; one submission).

Allele frequency attached by ClinVar (database versions not stated): ExAC 0.00006.

Submission:

CeGaT Center for Human Genetics Tuebingen
Classification: Likely benign. Last evaluated: 2022-09-01. Review status: criteria provided, single submitter. Criteria: CeGaT Center For Human Genetics Tuebingen Variant Classification Criteria Version 2. Collection method: clinical testing. Allele origin: germline. Affected: yes. Observed: 1 variant allele.
Comment: PIGZ: BP4, BP7